The following is an entry in ClinVar:

NM_173651.4(FSIP2):c.6923A>T (p.Asp2308Val)

Genes: FSIP2 (fibrous sheath interacting protein 2; plus strand), FSIP2-AS1 (FSIP2 antisense RNA 1; minus strand). Cytogenetic location: 2q32.1.
Variant type: single nucleotide variant.
Coding change: c.6923A>T on transcript NM_173651.4 (MANE Select); coding-DNA position 6923, A replaced by T.
Protein change: p.Asp2308Val; replaces aspartic acid 2308 with valine.
Molecular consequence: missense variant.
Genome position (GRCh38, 1-based): chr2:185,794,059, A>T. VCF-style: chr2-185794059-A-T. GRCh37 (hg19) VCF-style: chr2-186658786-A-T.
Other names: short protein forms D2308V.
Identifiers: ClinVar variation 3055842 (VCV003055842.2), dbSNP rs76311269, ClinGen allele CA2016764.

ClinVar aggregate classification (germline): Benign (0 of 4 stars; one submission).

Conditions:
FSIP2-related disorder. Also called: FSIP2-related condition.

Allele frequency attached by ClinVar (database versions not stated): gnomAD exomes 0.00329; ExAC 0.00503; gnomAD 0.02177; TOPMed 0.02483; 1000 Genomes Project 0.02875; 1000 Genomes Project 30x 0.03061.
gnomAD v4.1: 8,126 of 1,532,922 alleles (0.53%); highest among the groups gnomAD compares: African/African-American, 7.2%; 213 homozygotes.

Submission:

PreventionGenetics, part of Exact Sciences
Classification: Benign for FSIP2-related condition. Last evaluated: 2019-02-20. Review status: no assertion criteria provided. Collection method: clinical testing. Allele origin: germline.
Comment: This variant is classified as benign based on ACMG/AMP sequence variant interpretation guidelines (Richards et al. 2015 PMID: 25741868, with internal and published modifications).